The following is an entry in ClinVar:

NM_004423.4(DVL3):c.1772C>G (p.Pro591Arg)

Gene: DVL3 (dishevelled segment polarity protein 3; plus strand). Cytogenetic location: 3q27.1.
Variant type: single nucleotide variant.
Coding change: c.1772C>G on transcript NM_004423.4 (MANE Select); coding-DNA position 1772, C replaced by G.
Protein change: p.Pro591Arg; replaces proline 591 with arginine.
Molecular consequence: missense variant.
Genome position (GRCh38, 1-based): chr3:184,170,376, C>G. VCF-style: chr3-184170376-C-G. GRCh37 (hg19) VCF-style: chr3-183888164-C-G.
Other names: short protein forms P591R.
Identifiers: ClinVar variation 1512528 (VCV001512528.8), dbSNP rs754383852, ClinGen allele CA2727517.

ClinVar aggregate classification (germline): Uncertain significance (1 of 4 stars; one submission).

Allele frequency attached by ClinVar (database versions not stated): gnomAD 0.00002; TOPMed 0.00002.
gnomAD v4.1: 108 of 1,605,582 alleles (0.0067%); highest among the groups gnomAD compares: Admixed American, 0.014%; no homozygotes.

Submission:

Labcorp Genetics (formerly Invitae), Labcorp
Classification: Uncertain significance. Last evaluated: 2025-05-06. Review status: criteria provided, single submitter. Criteria: Invitae Variant Classification Sherloc (09022015). Collection method: clinical testing. Allele origin: germline.
Comment: This sequence change replaces proline, which is neutral and non-polar, with arginine, which is basic and polar, at codon 591 of the DVL3 protein (p.Pro591Arg). This variant is present in population databases (rs754383852, gnomAD 0.02%). This variant has not been reported in the literature in individuals affected with DVL3-related conditions. ClinVar contains an entry for this variant (Variation ID: 1512528). An algorithm developed to predict the effect of missense changes on protein structure and function (PolyPhen-2) suggests that this variant is likely to be disruptive. In summary, the available evidence is currently insufficient to determine the role of this variant in disease. Therefore, it has been classified as a Variant of Uncertain Significance.